The following is an entry in ClinVar:

NM_006180.6(NTRK2):c.1831C>T (p.Leu611Phe)

Gene: NTRK2 (neurotrophic receptor tyrosine kinase 2; plus strand). Cytogenetic location: 9q21.33.
Variant type: single nucleotide variant.
Coding change: c.1831C>T on transcript NM_006180.6 (MANE Select); coding-DNA position 1831, C replaced by T.
Protein change: p.Leu611Phe; replaces leucine 611 with phenylalanine.
Molecular consequence: missense variant.
Genome position (GRCh38, 1-based): chr9:84,948,528, C>T. VCF-style: chr9-84948528-C-T. GRCh37 (hg19) VCF-style: chr9-87563443-C-T.
Other names: c.1783C>T, p.Leu595Phe (NM_001018064.3, NM_001369532.1, NM_001369533.1); c.1747C>T, p.Leu583Phe (NM_001369534.1); c.1315C>T, p.Leu439Phe (NM_001369535.1); c.1363C>T, p.Leu455Phe (NM_001369536.1); short protein forms L439F, L455F, L583F, L595F, L611F.
Identifiers: ClinVar variation 3383720 (VCV003383720.1).

ClinVar aggregate classification (germline): Uncertain significance (1 of 4 stars; one submission).

Submission:

GeneDx
Classification: Uncertain significance. Last evaluated: 2024-05-28. Review status: criteria provided, single submitter. Criteria: GeneDx Variant Classification Process June 2021. Collection method: clinical testing. Allele origin: germline. Affected: yes.
Comment: Not observed at significant frequency in large population cohorts (gnomAD); In silico analysis supports that this missense variant has a deleterious effect on protein structure/function; Has not been previously published as pathogenic or benign to our knowledge